The following is an entry in ClinVar:

NM_018489.3(ASH1L):c.8296A>G (p.Arg2766Gly)

Gene: ASH1L (ASH1 like histone lysine methyltransferase; minus strand). Cytogenetic location: 1q22.
Variant type: single nucleotide variant.
Coding change: c.8296A>G on transcript NM_018489.3 (MANE Select); coding-DNA position 8296, A replaced by G.
Protein change: p.Arg2766Gly; replaces arginine 2766 with glycine.
Molecular consequence: missense variant.
Genome position (GRCh38, 1-based): chr1:155,342,100, T>C on the plus strand (A>G on the coding strand, the complement: ASH1L is on the minus strand). VCF-style: chr1-155342100-T-C. GRCh37 (hg19) VCF-style: chr1-155311891-T-C.
Other names: c.8311A>G, p.Arg2771Gly (NM_001366177.2); short protein forms R2766G, R2771G.
Identifiers: ClinVar variation 4976591 (VCV004976591.1).

ClinVar aggregate classification (germline): Uncertain significance (1 of 4 stars; one submission).

gnomAD v4.1: 1 of 1,613,996 alleles (0.000062%); highest among the groups gnomAD compares: South Asian, 0.0011%; no homozygotes.

Submission:

GeneDx
Classification: Uncertain significance. Last evaluated: 2026-02-21. Review status: criteria provided, single submitter. Criteria: GeneDx Variant Classification Process June 2021. Collection method: clinical testing. Allele origin: germline.
Comment: Not observed at significant frequency in large population cohorts (gnomAD); In silico analysis supports that this missense variant has a deleterious effect on protein structure/function; Has not been previously published as pathogenic or benign to our knowledge